The following is an entry in ClinVar:

NM_001003699.4(RREB1):c.2763C>T (p.Ser921=)

Gene: RREB1 (ras responsive element binding protein 1; plus strand). Cytogenetic location: 6p24.3.
Variant type: single nucleotide variant.
Coding change: c.2763C>T on transcript NM_001003699.4 (MANE Select); coding-DNA position 2763, C replaced by T.
Protein change: p.Ser921=; no amino-acid change (serine 921 retained).
Molecular consequence: synonymous variant.
Genome position (GRCh38, 1-based): chr6:7,230,862, C>T. VCF-style: chr6-7230862-C-T. GRCh37 (hg19) VCF-style: chr6-7231095-C-T.
Other names: c.2763C>T, p.Ser921= (NM_001003700.2, NM_001168344.2, NM_001003698.4).
Identifiers: ClinVar variation 2656203 (VCV002656203.24), dbSNP rs535206277, ClinGen allele CA3625927.

ClinVar aggregate classification (germline): Likely benign (1 of 4 stars; one submission).

Allele frequency attached by ClinVar (database versions not stated): TOPMed 0.00001; ExAC 0.00003.

Submission:

CeGaT Center for Human Genetics Tuebingen
Classification: Likely benign. Last evaluated: 2023-06-01. Review status: criteria provided, single submitter. Criteria: CeGaT Center For Human Genetics Tuebingen Variant Classification Criteria Version 2. Collection method: clinical testing. Allele origin: germline. Affected: yes. Observed: 1 variant allele.
Comment: RREB1: BP4, BP7